The following is an entry in ClinVar:

NM_020361.5(CPA6):c.505T>C (p.Tyr169His)

Gene: CPA6 (carboxypeptidase A6; minus strand). Cytogenetic location: 8q13.2.
Variant type: single nucleotide variant.
Coding change: c.505T>C on transcript NM_020361.5 (MANE Select); coding-DNA position 505, T replaced by C.
Protein change: p.Tyr169His; replaces tyrosine 169 with histidine.
Molecular consequence: missense variant.
Genome position (GRCh38, 1-based): chr8:67,509,546, A>G on the plus strand (T>C on the coding strand, the complement: CPA6 is on the minus strand). VCF-style: chr8-67509546-A-G. GRCh37 (hg19) VCF-style: chr8-68421781-A-G.
Other names: short protein forms Y169H.
Identifiers: ClinVar variation 363610 (VCV000363610.14), dbSNP rs201643526, ClinGen allele CA4772959.
Genomic context (GRCh38, chr8:67,509,546, plus strand): 5'-ATGTATTTACACAGCAATTGCTTATTTTTACCTTTAAAATAAAAAGAGATCTTCCCTCAT[A>G]TGATCTTCCAATAGAGAACATGTGAATGAGGCCTGAGTGAGTTTTATTCAGATGATGCAT-3'
Protein context (NP_065094.3, residues 159-179): LIHMFSIGRS[Tyr169His]EGRSLFILKL

ClinVar aggregate classification (germline): Conflicting classifications of pathogenicity. Review status: criteria provided, conflicting classifications (1 of 4 stars). 4 submissions from 4 submitters: Uncertain significance (3); Likely benign (1). Last evaluated 2019-12-11.

Conditions:
Febrile seizures, familial, 11 (FEB11). Also called: CONVULSIONS, FAMILIAL FEBRILE, 11. Identifiers: MedGen C3280734, MONDO:0024566, OMIM 614418.
Familial temporal lobe epilepsy 5. Identifiers: MedGen C3280730, MONDO:0013741, OMIM 614417.

Allele frequency attached by ClinVar (database versions not stated): gnomAD 0.00003; ESP Exome Variant Server 0.00008; ExAC 0.00013; gnomAD exomes 0.00015; TOPMed 0.00009.
gnomAD v4.1: 218 of 1,583,848 alleles (0.014%); highest among the groups gnomAD compares: Admixed American, 0.055%; no homozygotes.

Submissions (4):

Labcorp Genetics (formerly Invitae), Labcorp
Classification: Likely benign for Febrile seizures, familial, 11. Last evaluated: 2019-12-11. Review status: criteria provided, single submitter. Criteria: Invitae Variant Classification Sherloc (09022015). Collection method: clinical testing. Allele origin: germline.

Illumina Laboratory Services, Illumina
Classification: Uncertain significance for Familial temporal lobe epilepsy 5. Last evaluated: 2018-01-13. Review status: criteria provided, single submitter. Criteria: ICSL Variant Classification Criteria 13 December 2019. Collection method: clinical testing. Allele origin: germline.

Athena Diagnostics
Classification: Uncertain significance. Last evaluated: 2017-09-13. Review status: criteria provided, single submitter. Criteria: Athena Diagnostics Criteria. Collection method: clinical testing. Allele origin: germline.

Daryl Scott Lab, Baylor College of Medicine
Classification: Uncertain significance for Familial temporal lobe epilepsy 5. Review status: criteria provided, single submitter. Criteria: ACMG Guidelines, 2015. Collection method: clinical testing. Allele origin: maternal. Affected: yes. Observed: 1 heterozygote.
Comment: BS2